The following is an entry in ClinVar:

NM_001282531.3(ADNP):c.1172G>C (p.Arg391Thr)

Gene: ADNP (activity dependent neuroprotector homeobox; minus strand). Cytogenetic location: 20q13.13.
Variant type: single nucleotide variant.
Coding change: c.1172G>C on transcript NM_001282531.3 (MANE Select); coding-DNA position 1172, G replaced by C.
Protein change: p.Arg391Thr; replaces arginine 391 with threonine.
Molecular consequence: missense variant.
Genome position (GRCh38, 1-based): chr20:50,893,542, C>G on the plus strand (G>C on the coding strand, the complement: ADNP is on the minus strand). VCF-style: chr20-50893542-C-G. GRCh37 (hg19) VCF-style: chr20-49510079-C-G.
Other names: c.1172G>C, p.Arg391Thr (NM_001282532.2, NM_001347511.2, NM_015339.5 and 1 more transcripts); c.1388G>C, p.Arg463Thr (NM_001439000.1); c.488G>C, p.Arg163Thr (NM_001439001.1); short protein forms R391T, R463T, R163T.
Identifiers: ClinVar variation 5002954 (VCV005002954.1).

ClinVar aggregate classification (germline): Uncertain significance (1 of 4 stars; one submission).

Submission:

OLLIN Analises Genomicas, OLLIN
Classification: Uncertain significance. Last evaluated: 2026-08-06. Review status: criteria provided, single submitter. Criteria: ACMG Guidelines 2015 PMID 25741868. Collection method: clinical testing. Allele origin: germline.
Comment: This missense variant, located in exon 6 (of 6), is absent from gnomAD and ClinVar and has not been identified in the literature. In silico analysis predicts that this variant has a tolerated effect. According to the currently available evidence, this variant has been classified as uncertain significance (PM2_P, BP4).